The following is an entry in ClinVar:

ClinVar aggregate classification (germline): Uncertain significance. Review status: criteria provided, multiple submitters, no conflicts (2 of 4 stars). 2 submissions from 2 submitters: Uncertain significance (2). Last evaluated 2024-03-04.

Conditions:
Cardiovascular phenotype. Identifiers: MedGen CN230736.
Hereditary cancer-predisposing syndrome. Also called: Hereditary Cancer Syndrome; Hereditary neoplastic syndrome; Neoplastic Syndromes, Hereditary; Tumor predisposition. Identifiers: Orphanet 140162, MedGen C0027672, MeSH D009386, MONDO:0015356.

Submissions (2):

Labcorp Genetics (formerly Invitae), Labcorp
Classification: Uncertain significance. Last evaluated: 2024-03-04. Review status: criteria provided, single submitter. Criteria: Invitae Variant Classification Sherloc (09022015). Collection method: clinical testing. Allele origin: germline.
Comment: This sequence change replaces proline, which is neutral and non-polar, with threonine, which is neutral and polar, at codon 47 of the LZTR1 protein (p.Pro47Thr). This variant is not present in population databases (gnomAD no frequency). This variant has not been reported in the literature in individuals affected with LZTR1-related conditions. ClinVar contains an entry for this variant (Variation ID: 1771717). Advanced modeling of protein sequence and biophysical properties (such as structural, functional, and spatial information, amino acid conservation, physicochemical variation, residue mobility, and thermodynamic stability) performed at Invitae indicates that this missense variant is not expected to disrupt LZTR1 protein function with a negative predictive value of 80%. In summary, the available evidence is currently insufficient to determine the role of this variant in disease. Therefore, it has been classified as a Variant of Uncertain Significance.

Ambry Genetics
Classification: Uncertain significance for Cardiovascular phenotype; Hereditary cancer-predisposing syndrome. Last evaluated: 2021-04-13. Review status: criteria provided, single submitter. Criteria: Ambry Variant Classification Scheme 2023. Collection method: clinical testing. Allele origin: germline.
Comment: The p.P47T variant (also known as c.139C>A), located in coding exon 1 of the LZTR1 gene, results from a C to A substitution at nucleotide position 139. The proline at codon 47 is replaced by threonine, an amino acid with highly similar properties. This amino acid position is highly conserved in available vertebrate species. In addition, the in silico prediction for this alteration is inconclusive. Since supporting evidence is limited at this time, the clinical significance of this alteration remains unclear.

NM_006767.4(LZTR1):c.139C>A (p.Pro47Thr)

Gene: LZTR1 (leucine zipper like post translational regulator 1; plus strand). Cytogenetic location: 22q11.21.
Variant type: single nucleotide variant.
Coding change: c.139C>A on transcript NM_006767.4 (MANE Select); coding-DNA position 139, C replaced by A.
Protein change: p.Pro47Thr; replaces proline 47 with threonine.
Molecular consequence: missense variant.
Genome position (GRCh38, 1-based): chr22:20,982,510, C>A. VCF-style: chr22-20982510-C-A. GRCh37 (hg19) VCF-style: chr22-21336799-C-A.
Other names: short protein forms P47T.
Identifiers: ClinVar variation 1771717 (VCV001771717.5), dbSNP rs2518607882, ClinGen allele CA410777900.